The following is an entry in ClinVar:

ClinVar aggregate classification (germline): Pathogenic (1 of 4 stars; one submission).

Conditions:
Fanconi anemia (FA). Also called: Fanconi's anemia. Identifiers: Orphanet 84, MedGen C0015625, MeSH D005199, MONDO:0019391.

Submission:

Labcorp Genetics (formerly Invitae), Labcorp
Classification: Pathogenic for Fanconi anemia. Last evaluated: 2019-03-08. Review status: criteria provided, single submitter. Criteria: Invitae Variant Classification Sherloc (09022015). Collection method: clinical testing. Allele origin: germline.
Comment: This variant is not present in population databases (ExAC no frequency). This variant has not been reported in the literature in individuals with FANCM-related conditions. Loss-of-function variants in FANCM are known to be pathogenic (PMID: 29895858, 30075111). For these reasons, this variant has been classified as Pathogenic. This sequence change creates a premature translational stop signal (p.Gln1278*) in the FANCM gene. It is expected to result in an absent or disrupted protein product.

Literature cited by the submitters: PubMed 29895858; PubMed 30075111.

NM_020937.4(FANCM):c.3832C>T (p.Gln1278Ter)

Gene: FANCM (FA complementation group M; plus strand). Cytogenetic location: 14q21.2.
Variant type: single nucleotide variant.
Coding change: c.3832C>T on transcript NM_020937.4 (MANE Select); coding-DNA position 3832, C replaced by T.
Protein change: p.Gln1278Ter; replaces glutamine 1278 with a stop codon.
Molecular consequence: nonsense.
Genome position (GRCh38, 1-based): chr14:45,176,586, C>T. VCF-style: chr14-45176586-C-T. GRCh37 (hg19) VCF-style: chr14-45645789-C-T.
Other names: c.3754C>T, p.Gln1252Ter (NM_001308133.2); short protein forms Q1278*, Q1252*.
Identifiers: ClinVar variation 845552 (VCV000845552.7), dbSNP rs1888718087, ClinGen allele CA389603223.